The following is an entry in ClinVar:

NM_000268.4(NF2):c.1385G>A (p.Arg462His)

Gene: NF2 (NF2, moesin-ezrin-radixin like (MERLIN) tumor suppressor; plus strand). Cytogenetic location: 22q12.2.
Variant type: single nucleotide variant.
Coding change: c.1385G>A on transcript NM_000268.4 (MANE Select); coding-DNA position 1385, G replaced by A.
Protein change: p.Arg462His; replaces arginine 462 with histidine.
Molecular consequence: missense variant. On other transcripts: non-coding transcript variant (1), intron variant (1).
Genome position (GRCh38, 1-based): chr22:29,674,880, G>A. VCF-style: chr22-29674880-G-A. GRCh37 (hg19) VCF-style: chr22-30070869-G-A.
Other names: c.1385G>A, p.Arg462His (NM_016418.5, NM_181825.3, NM_181832.3); c.1259G>A, p.Arg420His (NM_181828.3); c.1262G>A, p.Arg421His (NM_181829.3); c.1136G>A, p.Arg379His (NM_181830.3, NM_181831.3); c.448-19872G>A (NM_181833.3); short protein forms R462H, R420H, R421H, R379H.
Identifiers: ClinVar variation 237618 (VCV000237618.20), dbSNP rs373650983, ClinGen allele CA029862.

ClinVar aggregate classification (germline): Conflicting classifications of pathogenicity. Review status: criteria provided, conflicting classifications (1 of 4 stars). 6 submissions from 6 submitters: Uncertain significance (2); Likely benign (4). Last evaluated 2025-12-24.

Conditions:
Hereditary cancer-predisposing syndrome. Also called: Tumor predisposition; Hereditary neoplastic syndrome; Neoplastic Syndromes, Hereditary; Hereditary Cancer Syndrome. Identifiers: Orphanet 140162, MedGen C0027672, MeSH D009386, MONDO:0015356.
Neurofibromatosis, type 2 (SWNV). Also called: BILATERAL ACOUSTIC NEUROFIBROMATOSIS; NF2-Related Schwannomatosis; SCHWANNOMATOSIS, VESTIBULAR. Identifiers: Orphanet 637, MedGen C0027832, MONDO:0007039, OMIM 101000. Disease mechanism: loss of function.

Allele frequency attached by ClinVar (database versions not stated): gnomAD exomes 0.00002; ExAC 0.00004; ESP Exome Variant Server 0.00008; gnomAD 0.00011; TOPMed 0.00011.
gnomAD v4.1: 47 of 1,572,312 alleles (0.003%); highest among the groups gnomAD compares: African/African-American, 0.028%; no homozygotes.

Submissions (6):

Labcorp Genetics (formerly Invitae), Labcorp
Classification: Likely benign for Neurofibromatosis, type 2. Last evaluated: 2025-12-24. Review status: criteria provided, single submitter. Criteria: Invitae Variant Classification Sherloc (09022015). Collection method: clinical testing. Allele origin: germline.

All of Us Research Program, National Institutes of Health
Classification: Uncertain significance for Neurofibromatosis, type 2. Last evaluated: 2024-09-23. Review status: criteria provided, single submitter. Criteria: ACMG Guidelines, 2015. Collection method: clinical testing. Allele origin: germline. Inheritance: Autosomal dominant inheritance. Observed: 8 variant alleles, 8 heterozygotes.
Comment: This missense variant replaces arginine with histidine at codon 462 of the NF2 protein. Computational prediction is inconclusive regarding the impact of this variant on protein structure and function (internally defined REVEL score threshold 0.5 < inconclusive < 0.7, PMID: 27666373). To our knowledge, functional studies have not been reported for this variant. This variant has been reported in an individual affected with craniopharyngioma who also has a deleterious CTNNB1 missense variant, p.Gly34Glu (PMID: 31712784). This variant has been identified in 8/216786 chromosomes in the general population by the Genome Aggregation Database (gnomAD). The available evidence is insufficient to determine the role of this variant in disease conclusively. Therefore, this variant is classified as a Variant of Uncertain Significance.

This study involves interpretation of variants in research participants for the purpose of population health screening. Participant phenotype was not available at the time of variant classification. Additional details can be found in publication PMID: 35346344, PMCID: PMC8962531

Color Diagnostics, LLC DBA Color Health
Classification: Uncertain significance for Neurofibromatosis, type 2. Last evaluated: 2023-11-28. Review status: criteria provided, single submitter. Criteria: ACMG Guidelines, 2015. Collection method: clinical testing. Allele origin: germline.
Comment: This missense variant replaces arginine with histidine at codon 462 of the NF2 protein. Computational prediction is inconclusive regarding the impact of this variant on protein structure and function. To our knowledge, functional studies have not been reported for this variant. This variant has been reported in an individual affected with craniopharyngioma who also has a deleterious CTNNB1 missense variant, p.Gly34Glu (PMID: 31712784). This variant has been identified in 8/216786 chromosomes in the general population by the Genome Aggregation Database (gnomAD). The available evidence is insufficient to determine the role of this variant in disease conclusively. Therefore, this variant is classified as a Variant of Uncertain Significance.

Genome-Nilou Lab
Classification: Likely benign for Neurofibromatosis, type 2. Last evaluated: 2021-11-07. Review status: criteria provided, single submitter. Criteria: ACMG Guidelines, 2015. Collection method: clinical testing. Allele origin: germline. Affected: no.

GeneDx
Classification: Likely benign. Last evaluated: 2021-01-07. Review status: criteria provided, single submitter. Criteria: GeneDx Variant Classification Process June 2021. Collection method: clinical testing. Allele origin: germline. Affected: yes.
Comment: In silico analysis supports that this missense variant has a deleterious effect on protein structure/function; Has not been previously published as pathogenic or benign to our knowledge; This variant is associated with the following publications: (PMID: 31712784)

Ambry Genetics
Classification: Likely benign for Hereditary cancer-predisposing syndrome. Last evaluated: 2020-12-22. Review status: criteria provided, single submitter. Criteria: Ambry Variant Classification Scheme 2023. Collection method: clinical testing. Allele origin: germline.

Literature cited by the submitters: PubMed 31712784 (cited by All of Us Research Program, National Institutes of Health and Color Diagnostics, LLC DBA Color Health).